The following is an entry in ClinVar:

ClinVar aggregate classification (germline): Pathogenic. Review status: criteria provided, single submitter (1 of 4 stars). 2 submissions from 2 submitters: Pathogenic (1). 1 of the submissions does not count toward it. Last evaluated 2026-01-30.

Conditions:
Polycystic kidney disease 6 with or without polycystic liver disease. Also called: Autosomal Dominant Polycystic Kidney Disease-DNAJB11. Identifiers: MedGen C4748044, MONDO:0054842, OMIM 618061.
Autosomal dominant polycystic kidney disease. Identifiers: Orphanet 730, MedGen C0085413, MONDO:0004691.

Allele frequency attached by ClinVar (database versions not stated): gnomAD exomes below 0.00001.

Submissions (2):

Mayo Translational Polycystic Kidney Disease Center, Mayo Clinic
Classification: Pathogenic for Autosomal dominant polycystic kidney disease. Last evaluated: 2026-01-30. Review status: criteria provided, single submitter. Criteria: ACMG Guidelines, 2015. Collection method: research. Allele origin: germline. Inheritance: Autosomal dominant inheritance. Affected: yes.
Comment: The c.479del variant in the DNAJB11 gene results in a frameshift starting at codon 160, leading to a premature stop codon 28 amino acids downstream (p.Ala160GlufsTer28). This alteration is expected to cause a truncated protein, which is consistent with loss-of-function, a known mechanism of disease for DNAJB11. Therefore, this variant meets the PVS1 criterion. It is extremely rare, with an allele frequency of less than 0.01% in population databases such as gnomAD v4.1.0, supporting PM2. Additionally, the variant has been identified in six affected individuals within a family presenting with kidney and/or liver cysts, providing clinical correlation with the associated phenotype and supporting PP4 (PMID: 29706351). Given the gene-disease relationship, the variant’s rarity, and its deleterious molecular consequence, this variant is best classified as pathogenic.

OMIM
Classification: Pathogenic for POLYCYSTIC KIDNEY DISEASE 6 WITH OR WITHOUT POLYCYSTIC LIVER DISEASE. Last evaluated: 2018-07-27. Review status: no assertion criteria provided. Collection method: literature only. Allele origin: germline. Not counted in ClinVar's aggregate classification.

Literature cited by the submitters: PubMed 29706351 (cited by Mayo Translational Polycystic Kidney Disease Center, Mayo Clinic and OMIM).

NM_016306.6(DNAJB11):c.479del (p.Ala160fs)

Gene: DNAJB11 (DnaJ heat shock protein family (Hsp40) member B11; plus strand). Cytogenetic location: 3q27.3.
Variant type: Deletion.
Coding change: c.479del on transcript NM_016306.6 (MANE Select); coding-DNA position 479, one base deleted (C; older notation c.479delC).
Protein change: p.Ala160fs; shifts the reading frame from alanine 160.
Molecular consequence: frameshift variant. On other transcripts: non-coding transcript variant (5), intron variant (1).
Genome position (GRCh38, 1-based): chr3:186,581,393, C deleted. VCF-style (leftmost placement, unchanged base first): chr3-186581392-GC-G. GRCh37 (hg19) VCF-style: chr3-186299181-GC-G.
Other names: c.479delC (NM_016306.5); c.324-602del (NM_001378451.1); c.479del (NM_016306.4); short protein forms A160fs.
Identifiers: ClinVar variation 549849 (VCV000549849.1), dbSNP rs1351138670, ClinGen allele CA548455483.